The following is an entry in ClinVar:

ClinVar aggregate classification (germline): Likely benign (0 of 4 stars; one submission).

Conditions:
CCAR2-related disorder. Also called: CCAR2-related condition.

Allele frequency attached by ClinVar (database versions not stated): ExAC 0.00020; 1000 Genomes Project 0.00040; 1000 Genomes Project 30x 0.00047; gnomAD 0.00070; TOPMed 0.00076; ESP Exome Variant Server 0.00108.
gnomAD v4.1: 189 of 1,613,988 alleles (0.012%); highest among the groups gnomAD compares: African/African-American, 0.24%; 2 homozygotes.

Submission:

PreventionGenetics, part of Exact Sciences
Classification: Likely benign for CCAR2-related condition. Last evaluated: 2019-04-08. Review status: no assertion criteria provided. Collection method: clinical testing. Allele origin: germline.
Comment: This variant is classified as likely benign based on ACMG/AMP sequence variant interpretation guidelines (Richards et al. 2015 PMID: 25741868, with internal and published modifications).

NM_001393997.1(CCAR2):c.33G>A (p.Pro11=)

Gene: CCAR2 (cell cycle and apoptosis regulator 2; plus strand). Cytogenetic location: 8p21.3.
Variant type: single nucleotide variant.
Coding change: c.33G>A on transcript NM_001393997.1 (MANE Select); coding-DNA position 33, G replaced by A.
Protein change: p.Pro11=; no amino-acid change (proline 11 retained).
Molecular consequence: synonymous variant.
Genome position (GRCh38, 1-based): chr8:22,605,806, G>A. VCF-style: chr8-22605806-G-A. GRCh37 (hg19) VCF-style: chr8-22463319-G-A.
Other names: c.33G>A, p.Pro11= (NM_001363068.2, NM_001363069.2, NM_021174.6).
Identifiers: ClinVar variation 3051469 (VCV003051469.2), dbSNP rs150400388, ClinGen allele CA4670127.